The following is an entry in ClinVar:

ClinVar aggregate classification (germline): Uncertain significance (1 of 4 stars; one submission).

Conditions:
Optic atrophy 3 (OPA3). Also called: OPTIC ATROPHY 3, AUTOSOMAL DOMINANT; Optic atrophy, cataract, and neurologic disorder; Optic atrophy 3 with cataract. Identifiers: Orphanet 67036, MedGen C1833809, MONDO:0008133, OMIM 165300.
3-Methylglutaconic aciduria type 3 (MGCA3). Also called: OPA3, AUTOSOMAL RECESSIVE; OPTIC ATROPHY 3, AUTOSOMAL RECESSIVE; OPA3-Related 3-Methylglutaconic Aciduria; Costeff Syndrome. Identifiers: Orphanet 67047, MedGen C0574084, MONDO:0009787, OMIM 258501.

gnomAD v4.1: 1 of 1,614,072 alleles (0.000062%); highest among the groups gnomAD compares: Non-Finnish European, 0.000085%; no homozygotes.

Submission:

Labcorp Genetics (formerly Invitae), Labcorp
Classification: Uncertain significance for 3-Methylglutaconic aciduria type 3; Optic atrophy 3. Last evaluated: 2024-07-12. Review status: criteria provided, single submitter. Criteria: Invitae Variant Classification Sherloc (09022015). Collection method: clinical testing. Allele origin: germline.
Comment: This sequence change replaces methionine, which is neutral and non-polar, with arginine, which is basic and polar, at codon 8 of the OPA3 protein (p.Met8Arg). This variant is not present in population databases (gnomAD no frequency). This variant has not been reported in the literature in individuals affected with OPA3-related conditions. An algorithm developed to predict the effect of missense changes on protein structure and function (PolyPhen-2) suggests that this variant is likely to be tolerated. In summary, the available evidence is currently insufficient to determine the role of this variant in disease. Therefore, it has been classified as a Variant of Uncertain Significance.

NM_025136.4(OPA3):c.23T>G (p.Met8Arg)

Genes: OPA3 (outer mitochondrial membrane lipid metabolism regulator OPA3; minus strand), OPA3-RTN2 (OPA3-RTN2 readthrough; minus strand), LOC130064709 (ATAC-STARR-seq lymphoblastoid active region 14802; plus strand). Cytogenetic location: 19q13.32.
Variant type: single nucleotide variant.
Coding change: c.23T>G on transcript NM_025136.4 (MANE Select); coding-DNA position 23, T replaced by G.
Protein change: p.Met8Arg; replaces methionine 8 with arginine.
Molecular consequence: missense variant.
Genome position (GRCh38, 1-based): chr19:45,584,742, A>C on the plus strand (T>G on the coding strand, the complement: OPA3 is on the minus strand). VCF-style: chr19-45584742-A-C. GRCh37 (hg19) VCF-style: chr19-46088000-A-C.
Other names: c.23T>G, p.Met8Arg (NM_001017989.3); short protein forms M8R.
Identifiers: ClinVar variation 3752863 (VCV003752863.2).